The following is an entry in ClinVar:

NM_000038.6(APC):c.262C>T (p.Arg88Trp)

Gene: APC (APC regulator of Wnt signaling pathway; plus strand). Cytogenetic location: 5q22.2.
Variant type: single nucleotide variant.
Coding change: c.262C>T on transcript NM_000038.6 (MANE Select); coding-DNA position 262, C replaced by T.
Protein change: p.Arg88Trp; replaces arginine 88 with tryptophan.
Molecular consequence: missense variant. On other transcripts: 5 prime UTR variant (1).
Genome position (GRCh38, 1-based): chr5:112,767,230, C>T. VCF-style: chr5-112767230-C-T. GRCh37 (hg19) VCF-style: chr5-112102927-C-T.
Other names: c.262C>T, p.Arg88Trp (NM_001127510.3, NM_001354895.2, NM_001354896.2 and 2 more transcripts); c.292C>T, p.Arg98Trp (NM_001127511.3, NM_001354897.2, NM_001354902.2); c.187C>T, p.Arg63Trp (NM_001354898.2, NM_001354904.2); c.85C>T, p.Arg29Trp (NM_001354900.2, NM_001354901.2, NM_001354905.2); c.-774C>T (NM_001354906.2); short protein forms R88W, R98W, R63W, R29W.
Identifiers: ClinVar variation 420793 (VCV000420793.62), dbSNP rs746592911, ClinGen allele CA032840.

ClinVar aggregate classification (germline): Conflicting classifications of pathogenicity. Review status: criteria provided, conflicting classifications (1 of 4 stars). 11 submissions from 11 submitters: Uncertain significance (8); Likely benign (1). 2 of the submissions do not count toward it. Last evaluated 2026-01-07.

Conditions:
APC-related disorder. Also called: APC-related condition.
Hereditary cancer-predisposing syndrome. Also called: Tumor predisposition; Hereditary neoplastic syndrome; Hereditary Cancer Syndrome; Neoplastic Syndromes, Hereditary. Identifiers: Orphanet 140162, MedGen C0027672, MeSH D009386, MONDO:0015356.
Familial adenomatous polyposis 1 (FAP1). Also called: FAMILIAL ADENOMATOUS POLYPOSIS 1, ATTENUATED; POLYPOSIS, ADENOMATOUS INTESTINAL. Identifiers: MedGen C2713442, MONDO:0021056, OMIM 175100. Disease mechanism: loss of function.
Carcinoma of colon (CRC). Also called: Colon carcinoma; Colonic carcinoma. Identifiers: MedGen C0699790, MONDO:0002032.

Allele frequency attached by ClinVar (database versions not stated): gnomAD 0.00001; gnomAD exomes 0.00002 and 0.00004; TOPMed 0.00002; ExAC 0.00004.

Submissions (11):

Labcorp Genetics (formerly Invitae), Labcorp
Classification: Uncertain significance for Familial adenomatous polyposis 1. Last evaluated: 2026-01-07. Review status: criteria provided, single submitter. Criteria: Invitae Variant Classification Sherloc (09022015). Collection method: clinical testing. Allele origin: germline.
Comment: This sequence change replaces arginine, which is basic and polar, with tryptophan, which is neutral and slightly polar, at codon 88 of the APC protein (p.Arg88Trp). This variant is present in population databases (rs746592911, gnomAD 0.01%). This variant has not been reported in the literature in individuals affected with APC-related conditions. ClinVar contains an entry for this variant (Variation ID: 420793). Invitae Evidence Modeling of protein sequence and biophysical properties (such as structural, functional, and spatial information, amino acid conservation, physicochemical variation, residue mobility, and thermodynamic stability) indicates that this missense variant is not expected to disrupt APC protein function with a negative predictive value of 95%. In summary, the available evidence is currently insufficient to determine the role of this variant in disease. Therefore, it has been classified as a Variant of Uncertain Significance.

GeneDx
Classification: Uncertain significance. Last evaluated: 2024-08-22. Review status: criteria provided, single submitter. Criteria: GeneDx Variant Classification Process June 2021. Collection method: clinical testing. Allele origin: germline. Affected: yes.
Comment: In silico analysis supports that this missense variant has a deleterious effect on protein structure/function; Observed in an individual with breast cancer (PMID: 29684080); This variant is associated with the following publications: (PMID: 24463508, 36243179, 10830991, 29684080)

Color Diagnostics, LLC DBA Color Health
Classification: Uncertain significance for Hereditary cancer-predisposing syndrome. Last evaluated: 2023-11-22. Review status: criteria provided, single submitter. Criteria: ACMG Guidelines, 2015. Collection method: clinical testing. Allele origin: germline.
Comment: This missense variant replaces arginine with tryptophan at codon 88 of the APC protein. Computational prediction is inconclusive regarding the impact of this variant on protein structure and function (internally defined REVEL score threshold 0.5 < inconclusive < 0.7, PMID: 27666373). To our knowledge, functional studies have not been reported for this variant. This variant has been reported in an individual affected with familial adenomatous polyposis, however it co-occurred with truncating variant in the APC gene (PMID: 10830991). This variant has been identified in 12/282816 chromosomes in the general population by the Genome Aggregation Database (gnomAD). The available evidence is insufficient to determine the role of this variant in disease conclusively. Therefore, this variant is classified as a Variant of Uncertain Significance.

Blueprint Genetics
Classification: Uncertain significance. Last evaluated: 2023-03-30. Review status: criteria provided, single submitter. Criteria: ACMG Guidelines, 2015. Collection method: clinical testing. Allele origin: germline.

Women's Health and Genetics/Laboratory Corporation of America, LabCorp
Classification: Uncertain significance. Last evaluated: 2022-08-01. Review status: criteria provided, single submitter. Criteria: LabCorp Variant Classification Summary - May 2015. Collection method: clinical testing. Allele origin: germline.
Comment: Variant summary: APC c.262C>T (p.Arg88Trp) results in a non-conservative amino acid change in the encoded protein sequence. Five of five in-silico tools predict a damaging effect of the variant on protein function. The variant allele was found at a frequency of 3.6e-05 in 251438 control chromosomes (gnomAD). The available data on variant occurrences in the general population are insufficient to allow any conclusion about variant significance. c.262C>T has been reported in the literature in a proband affected with Familial Adenomatous Polyposis but was not found to segregate with disease in at least one other affected family member. Following further testing, a known pathogenic variant (p.Arg213X) was identified in both, the proband and the affected relative, indicating this to be the causative genetic factor of FAP in this family (Ogiso_2000). However, a ClinVar submitter reports identification of the variant in their laboratory in a family with polyposis, co-segregating with disease in 2 sisters (SCV000591021.2). These reports do not provide unequivocal conclusions about association of the variant with Familial Adenomatous Polyposis. To our knowledge, no experimental evidence demonstrating an impact on protein function has been reported. Seven ClinVar submitters (evaluation after 2014) cite the variant as uncertain significance. Based on the evidence outlined above, the variant was classified as uncertain significance.

CeGaT Center for Human Genetics Tuebingen
Classification: Uncertain significance. Last evaluated: 2021-12-01. Review status: criteria provided, single submitter. Criteria: CeGaT Center For Human Genetics Tuebingen Variant Classification Criteria Version 2. Collection method: clinical testing. Allele origin: germline. Affected: yes. Observed: 1 variant allele.

Ambry Genetics
Classification: Likely benign for Hereditary cancer-predisposing syndrome. Last evaluated: 2021-06-11. Review status: criteria provided, single submitter. Criteria: Ambry Variant Classification Scheme 2023. Collection method: clinical testing. Allele origin: germline.

Sema4
Classification: Uncertain significance for Hereditary cancer-predisposing syndrome. Last evaluated: 2021-06-03. Review status: criteria provided, single submitter. Criteria: Sema4 Curation Guidelines. Collection method: curation. Allele origin: germline.
Comment: The APC c.262C>T (p.R88W) variant has not been reported in the literature to our knowledge. It was observed in 12/282816 chromosomes in the large and broad cohorts of the Genome Aggregation Database (PMID: 32461654). This variant has been reported in ClinVar (Variation ID: 420793). This variant involves a highly conserved amino acid, and computational analyses do not provide strong support for or against an impact to the protein, though these predictions have not been confirmed by published functional studies. The evidence is insufficient to meet ACMG/AMP criteria for classifying the variant as benign or pathogenic. Thus, the clinical significance of this variant is currently uncertain.

Mendelics
Classification: Uncertain significance for Familial adenomatous polyposis 1. Last evaluated: 2018-07-02. Review status: criteria provided, single submitter. Criteria: Mendelics Assertion Criteria 2017. Collection method: clinical testing. Allele origin: unknown.

PreventionGenetics, part of Exact Sciences
Classification: Uncertain significance for APC-related condition. Last evaluated: 2024-03-27. Review status: no assertion criteria provided. Collection method: clinical testing. Allele origin: germline. Not counted in ClinVar's aggregate classification.
Comment: The APC c.262C>T variant is predicted to result in the amino acid substitution p.Arg88Trp. This variant has been reported in a cohort study of individuals with features of Cowden/Cowden-like and Bannayan-Riley-Ruvalcaba syndromes without PTEN mutations but no detail was provided (S9_table, Yehia et al 2018. PubMed ID: 29684080). This variant is reported in 0.016% of alleles in individuals of European (Finnish) descent in gnomAD. This variant is interpreted as a variant of uncertain significance by vast majority of submitters in ClinVar. At this time, the clinical significance of this variant is uncertain due to the absence of conclusive functional and genetic evidence.

Department of Pathology and Laboratory Medicine, Sinai Health System
Classification: Uncertain significance for Carcinoma of colon. Review status: no assertion criteria provided. Collection method: clinical testing. Allele origin: unknown. Affected: yes. Study: The Canadian Open Genetics Repository (COGR). Not counted in ClinVar's aggregate classification.
Comment: The APC p.Arg88Trp variant was not identified in the literature nor was it identified in the UMD-LSDB database. The variant was identified in dbSNP (rs746592911) as â€šÃ„Ãºwith uncertain significance alleleâ€šÃ„Ã¹, ClinVar (interpreted as "uncertain significance" by Invitae and 5 others) and LOVD 3.0 (observed 1x). The variant was identified in control databases in 12 of 277,172 chromosomes at a frequency of 0.00004 (Genome Aggregation Database Feb 27, 2017). The variant was observed in the following populations: African in 1 of 24,030 chromosomes (freq: 0.00004), Other in 1 of 6464 chromosomes (freq: 0.0002), Latino in 1 of 34,414 chromosomes (freq: 0.00003), European in 6 of 126,686 chromosomes (freq: 0.00005), Finnish in 3 of 25786 chromosomes (freq: 0.0001); it was not observed in the Ashkenazi Jewish, East Asian, and South Asian populations. The variant has previously been identified in our laboratory in a family with polyposis, it co-segregated with 2 sisters affected with polyposis. The p.Arg88 residue is conserved across mammals and other organisms, and four out of five computational analyses (PolyPhen-2, SIFT, AlignGVGD, BLOSUM, MutationTaster) suggest that the variant may impact the protein; however, this information is not predictive enough to assume pathogenicity. The variant occurs outside of the splicing consensus sequence and in silico or computational prediction software programs (SpliceSiteFinder, MaxEntScan, NNSPLICE, GeneSplicer) do not predict a difference in splicing. In summary, based on the above information the clinical significance of this variant cannot be determined with certainty at this time. This variant is classified as a variant of uncertain significance.

Literature cited by the submitters: PubMed 10830991 (cited by Color Diagnostics, LLC DBA Color Health and Women's Health and Genetics/Laboratory Corporation of America, LabCorp); PubMed 29684080 (cited by Ambry Genetics).